The following is an entry in ClinVar:

ClinVar aggregate classification (germline): Uncertain significance. Review status: criteria provided, multiple submitters, no conflicts (2 of 4 stars). 3 submissions from 2 submitters: Uncertain significance (3). Last evaluated 2022-10-25.

Conditions:
Autosomal recessive nonsyndromic hearing loss 12. Also called: DEAFNESS, AUTOSOMAL RECESSIVE 12. Identifiers: Orphanet 90636, MedGen C1832394, MONDO:0011067, OMIM 601386.
Usher syndrome type 1D (USH1D). Also called: USHER SYNDROME, TYPE ID. Identifiers: Orphanet 231169, Orphanet 886, MedGen C1832845, MONDO:0010984, OMIM 601067.

Allele frequency attached by ClinVar (database versions not stated): TOPMed 0.00001; gnomAD 0.00002; gnomAD exomes 0.00002; ExAC 0.00003.
gnomAD v4.1: 37 of 1,600,800 alleles (0.0023%); highest among the groups gnomAD compares: Non-Finnish European, 0.003%; no homozygotes.

Submissions (3):

Labcorp Genetics (formerly Invitae), Labcorp
Classification: Uncertain significance. Last evaluated: 2022-10-25. Review status: criteria provided, single submitter. Criteria: Invitae Variant Classification Sherloc (09022015). Collection method: clinical testing. Allele origin: germline.
Comment: This sequence change falls in intron 50 of the CDH23 gene. It does not directly change the encoded amino acid sequence of the CDH23 protein. It affects a nucleotide within the consensus splice site. This variant is present in population databases (rs750286810, gnomAD 0.004%). This variant has not been reported in the literature in individuals affected with CDH23-related conditions. ClinVar contains an entry for this variant (Variation ID: 877217). Variants that disrupt the consensus splice site are a relatively common cause of aberrant splicing (PMID: 17576681, 9536098). Algorithms developed to predict the effect of sequence changes on RNA splicing suggest that this variant may create or strengthen a splice site. In summary, the available evidence is currently insufficient to determine the role of this variant in disease. Therefore, it has been classified as a Variant of Uncertain Significance.

Illumina Laboratory Services, Illumina
Classification: Uncertain significance for Autosomal recessive nonsyndromic hearing loss 12. Last evaluated: 2018-01-12. Review status: criteria provided, single submitter. Criteria: ICSL Variant Classification Criteria 13 December 2019. Collection method: clinical testing. Allele origin: germline.

Illumina Laboratory Services, Illumina
Classification: Uncertain significance for Usher syndrome type 1D. Last evaluated: 2018-01-12. Review status: criteria provided, single submitter. Criteria: ICSL Variant Classification Criteria 13 December 2019. Collection method: clinical testing. Allele origin: germline.

Literature cited by the submitters: PubMed 17576681 (cited by Labcorp Genetics (formerly Invitae), Labcorp); PubMed 9536098 (cited by Labcorp Genetics (formerly Invitae), Labcorp).

NM_022124.6(CDH23):c.7054+6T>C

Gene: CDH23 (cadherin related 23; plus strand). Cytogenetic location: 10q22.1.
Variant type: single nucleotide variant.
Coding change: c.7054+6T>C on transcript NM_022124.6 (MANE Select); 6 bases into the intron after coding-DNA position 7054, T replaced by C.
Molecular consequence: intron variant.
Genome position (GRCh38, 1-based): chr10:71,798,584, T>C. VCF-style: chr10-71798584-T-C. GRCh37 (hg19) VCF-style: chr10-73558341-T-C.
Other names: c.334+6T>C (NM_001171933.1, NM_001171934.1).
Identifiers: ClinVar variation 877217 (VCV000877217.5), dbSNP rs750286810, ClinGen allele CA5546239.